The following is an entry in ClinVar:

NM_000170.3(GLDC):c.2891dup (p.Tyr964Ter)

Gene: GLDC (glycine decarboxylase; minus strand). Cytogenetic location: 9p24.1.
Variant type: Duplication.
Coding change: c.2891dup on transcript NM_000170.3 (MANE Select); coding-DNA position 2891, one base duplicated (A; older notation c.2891dupA).
Protein change: p.Tyr964Ter; replaces tyrosine 964 with a stop codon.
Molecular consequence: nonsense.
Genome position (GRCh38, 1-based): chr9:6,534,736, T duplicated on the plus strand (A on the coding strand, the reverse complement: GLDC is on the minus strand). VCF-style (leftmost placement, unchanged base first): chr9-6534735-A-AT. GRCh37 (hg19) VCF-style: chr9-6534735-A-AT.
Other names: c.2891dupA (NM_000170.2, NM_000170.3); short protein forms Y964*.
Identifiers: ClinVar variation 56172 (VCV000056172.9), dbSNP rs386833572, ClinGen allele CA263463.

ClinVar aggregate classification (germline): Pathogenic. Review status: criteria provided, multiple submitters, no conflicts (2 of 4 stars). 3 submissions from 3 submitters: Pathogenic (2). 1 of the submissions does not count toward it. Last evaluated 2026-02-16.

Conditions:
Glycine encephalopathy. Also called: Nonketotic hyperglycinemia; Non-ketotic hyperglycinemia. Identifiers: Orphanet 407, MedGen C0751748, MONDO:0011612, HP:0008288.

Allele frequency attached by ClinVar (database versions not stated): TOPMed below 0.00001; gnomAD exomes below 0.00001; gnomAD 0.00001; ESP Exome Variant Server 0.00008.

Submissions (3):

Women's Health and Genetics/Laboratory Corporation of America, LabCorp
Classification: Pathogenic for Glycine encephalopathy. Last evaluated: 2026-02-16. Review status: criteria provided, single submitter. Criteria: LabCorp Variant Classification Summary - May 2015. Collection method: clinical testing. Allele origin: germline.
Comment: Variant summary: GLDC c.2891dupA (p.Tyr964*) results in a premature termination codon, predicted to cause a truncation of the encoded protein and expected to disrupt the last 57 amino acids of the GLDC protein. The variant allele was found at a frequency of 4e-06 in 251228 control chromosomes (gnomAD). c.2891dupA has been reported in the literature as a compound heterozygous genotype together with an exon 1 deletion in an individual affected with Non-Ketotic Hyperglycinemia (e.g. Kure_2006). To our knowledge, no experimental evidence demonstrating an impact on protein function has been reported. At least two variants (p.Gly994Arg and c.2919+1G>A) downstream of this position has been determined to be pathogenic in our lab, suggesting that this is a clinically significant region of the protein, and that variants that disrupt it are likely to be disease-causing. The following publication have been ascertained in the context of this evaluation (PMID: 16450403). ClinVar contains an entry for this variant (Variation ID: 56172). Based on the evidence outlined above, the variant was classified as pathogenic.

Labcorp Genetics (formerly Invitae), Labcorp
Classification: Pathogenic for Glycine encephalopathy. Last evaluated: 2024-03-12. Review status: criteria provided, single submitter. Criteria: Invitae Variant Classification Sherloc (09022015). Collection method: clinical testing. Allele origin: germline.
Comment: This sequence change creates a premature translational stop signal (p.Tyr964*) in the GLDC gene. While this is not anticipated to result in nonsense mediated decay, it is expected to disrupt the last 57 amino acid(s) of the GLDC protein. This variant is not present in population databases (gnomAD no frequency). This premature translational stop signal has been observed in individual(s) with glycine encephalopathy (PMID: 16450403). This variant is also known as c.2891insA. ClinVar contains an entry for this variant (Variation ID: 56172). This variant disrupts a region of the GLDC protein in which other variant(s) (p.Gly994Arg) have been determined to be pathogenic (PMID: 26179960, 27362913, 28244183). This suggests that this is a clinically significant region of the protein, and that variants that disrupt it are likely to be disease-causing. For these reasons, this variant has been classified as Pathogenic.

Juha Muilu Group; Institute for Molecular Medicine Finland (FIMM)
Classification: Likely pathogenic for Non-ketotic hyperglycinemia. Review status: no assertion criteria provided. Collection method: not provided. Allele origin: unknown. Not counted in ClinVar's aggregate classification.
Comment: FinDis database variant: This variant was not found or characterized by our laboratory, data were collected from public sources: see reference
ClinVar note: Converted during submission from probable-pathogenic to Likely pathogenic.

Literature cited by the submitters: PubMed 16450403 (cited by Women's Health and Genetics/Laboratory Corporation of America, LabCorp and Labcorp Genetics (formerly Invitae), Labcorp); PubMed 26179960 (cited by Labcorp Genetics (formerly Invitae), Labcorp); PubMed 27362913 (cited by Labcorp Genetics (formerly Invitae), Labcorp); PubMed 28244183 (cited by Labcorp Genetics (formerly Invitae), Labcorp).